The following is an entry in ClinVar:

NM_000093.5(COL5A1):c.5068-13G>A

Genes: COL5A1 (collagen type V alpha 1 chain; plus strand), LOC101448202 (uncharacterized LOC101448202; minus strand). Cytogenetic location: 9q34.3.
Variant type: single nucleotide variant.
Coding change: c.5068-13G>A on transcript NM_000093.5 (MANE Select); 13 bases into the intron before coding-DNA position 5068, G replaced by A.
Molecular consequence: intron variant.
Genome position (GRCh38, 1-based): chr9:134,829,963, G>A. VCF-style: chr9-134829963-G-A. GRCh37 (hg19) VCF-style: chr9-137721809-G-A.
Other names: c.5068-145G>A (NM_001278074.1).
Identifiers: ClinVar variation 382506 (VCV000382506.13), dbSNP rs761059323, ClinGen allele CA5320574.

ClinVar aggregate classification (germline): Benign/Likely benign. Review status: criteria provided, multiple submitters, no conflicts (2 of 4 stars). 3 submissions from 3 submitters: Benign (1); Likely benign (2). Last evaluated 2026-01-26.

Conditions:
Ehlers-Danlos syndrome, classic type, 1 (EDSCL1). Also called: EHLERS-DANLOS SYNDROME, GRAVIS TYPE; EHLERS-DANLOS SYNDROME, SEVERE CLASSIC TYPE; Ehlers-Danlos Syndrome, Classic Type, COL5A1-Related; EDS I; Ehlers-Danlos syndrome, type 1. Identifiers: MedGen C0268335, MONDO:0019567, OMIM 130000.

Allele frequency attached by ClinVar (database versions not stated): TOPMed 0.00007; gnomAD 0.00001; gnomAD exomes 0.00002 and 0.00006; ExAC 0.00004.
gnomAD v4.1: 28 of 1,611,556 alleles (0.0017%); highest among the groups gnomAD compares: Admixed American, 0.023%; no homozygotes.

Submissions (3):

Women's Health and Genetics/Laboratory Corporation of America, LabCorp
Classification: Benign. Last evaluated: 2026-01-26. Review status: criteria provided, single submitter. Criteria: LabCorp Variant Classification Summary - May 2015. Collection method: clinical testing. Allele origin: germline.

Labcorp Genetics (formerly Invitae), Labcorp
Classification: Likely benign for Ehlers-Danlos syndrome, classic type, 1. Last evaluated: 2026-01-11. Review status: criteria provided, single submitter. Criteria: Invitae Variant Classification Sherloc (09022015). Collection method: clinical testing. Allele origin: germline.

GeneDx
Classification: Likely benign. Last evaluated: 2019-04-16. Review status: criteria provided, single submitter. Criteria: GeneDx Variant Classification Process June 2021. Collection method: clinical testing. Allele origin: germline. Affected: yes.
Comment: Has not been previously published as pathogenic or benign to our knowledge